The following is an entry in ClinVar:

NM_000426.4(LAMA2):c.9355_*8del (p.Cys3119fs)

Gene: LAMA2 (laminin subunit alpha 2; plus strand). Cytogenetic location: 6q22.33.
Variant type: Deletion.
Coding change: c.9355_*8del on transcript NM_000426.4 (MANE Select); coding-DNA position 9355 through 8 bases downstream of the stop codon, 23 bases deleted (TGCCCAGCCAACTAATAAAAATA).
Protein change: p.Cys3119fs; shifts the reading frame from cysteine 3119.
Molecular consequence: frameshift variant.
Genome position (GRCh38, 1-based): chr6:129,516,333-129,516,355, TGCCCAGCCAACTAATAAAAATA deleted; deleting any 23 consecutive bases within chr6:129,516,332-129,516,355 gives the same sequence; the c. name uses the placement nearest the transcript's 3' end. VCF-style (leftmost placement, unchanged base first): chr6-129516331-CATGCCCAGCCAACTAATAAAAAT-C. GRCh37 (hg19) VCF-style: chr6-129837476-CATGCCCAGCCAACTAATAAAAAT-C.
Other names: c.9343_*8del, p.Cys3115fs (NM_001079823.2); short protein forms C3115fs, C3119fs.
Identifiers: ClinVar variation 1026340 (VCV001026340.6), dbSNP rs1787076379, ClinGen allele CA1663195071.

ClinVar aggregate classification (germline): Uncertain significance (1 of 4 stars; one submission).

Conditions:
LAMA2-related muscular dystrophy (LAMA2-RD). Also called: Laminin alpha 2-related dystrophy. Identifiers: MedGen C5679788, MONDO:0100228.

Submission:

Labcorp Genetics (formerly Invitae), Labcorp
Classification: Uncertain significance for LAMA2-related muscular dystrophy. Last evaluated: 2024-11-17. Review status: criteria provided, single submitter. Criteria: Invitae Variant Classification Sherloc (09022015). Collection method: clinical testing. Allele origin: germline.
Comment: This sequence change results in a frameshift in the LAMA2 gene (p.Cys3119Serfs*15). While this is not anticipated to result in nonsense mediated decay, it is expected to disrupt the last 4 amino acid(s) of the LAMA2 protein and extend the protein by 10 additional amino acid residues. This variant is not present in population databases (gnomAD no frequency). This variant has not been reported in the literature in individuals affected with LAMA2-related conditions. ClinVar contains an entry for this variant (Variation ID: 1026340). Experimental studies and prediction algorithms are not available or were not evaluated, and the functional significance of this variant is currently unknown. In summary, the available evidence is currently insufficient to determine the role of this variant in disease. Therefore, it has been classified as a Variant of Uncertain Significance.